The following is an entry in ClinVar:

NM_002861.5(PCYT2):c.836G>A (p.Arg279Gln)

Gene: PCYT2 (phosphate cytidylyltransferase 2, ethanolamine; minus strand). Cytogenetic location: 17q25.3.
Variant type: single nucleotide variant.
Coding change: c.836G>A on transcript NM_002861.5 (MANE Select); coding-DNA position 836, G replaced by A.
Protein change: p.Arg279Gln; replaces arginine 279 with glutamine.
Molecular consequence: missense variant.
Genome position (GRCh38, 1-based): chr17:81,906,101, C>T on the plus strand (G>A on the coding strand, the complement: PCYT2 is on the minus strand). VCF-style: chr17-81906101-C-T. GRCh37 (hg19) VCF-style: chr17-79863977-C-T.
Other names: c.890G>A, p.Arg297Gln (NM_001184917.3); c.674G>A, p.Arg225Gln (NM_001256433.3); c.713G>A, p.Arg238Gln (NM_001256434.3); c.602G>A, p.Arg201Gln (NM_001256435.3, NM_001282203.2); c.740G>A, p.Arg247Gln (NM_001282204.2); c.836G>A, p.Arg279Gln (NM_001330518.2); c.602G>A (NM_001256435.2); short protein forms R201Q, R225Q, R238Q, R247Q, R279Q, R297Q.
Identifiers: ClinVar variation 2310188 (VCV002310188.3), dbSNP rs1001358273, ClinGen allele CA295119381.

ClinVar aggregate classification (germline): Uncertain significance. Review status: criteria provided, multiple submitters, no conflicts (2 of 4 stars). 2 submissions from 2 submitters: Uncertain significance (2). Last evaluated 2022-09-06.

Conditions:
Inborn genetic diseases. Identifiers: MedGen C0950123, MeSH D030342.

Allele frequency attached by ClinVar (database versions not stated): gnomAD exomes 0.00001; gnomAD 0.00003; TOPMed 0.00003.
gnomAD v4.1: 20 of 1,609,630 alleles (0.0012%); highest among the groups gnomAD compares: African/African-American, 0.0053%; no homozygotes.

Submissions (2):

Ambry Genetics
Classification: Uncertain significance for Inborn genetic diseases. Last evaluated: 2022-09-06. Review status: criteria provided, single submitter. Criteria: Ambry Variant Classification Scheme 2023. Collection method: clinical testing. Allele origin: germline.

GeneDx
Classification: Uncertain significance. Last evaluated: 2022-08-12. Review status: criteria provided, single submitter. Criteria: GeneDx Variant Classification Process June 2021. Collection method: clinical testing. Allele origin: germline. Affected: yes.
Comment: In silico analysis supports that this missense variant has a deleterious effect on protein structure/function; Has not been previously published as pathogenic or benign to our knowledge